The following is an entry in ClinVar:

NM_000020.3(ACVRL1):c.9G>T (p.Leu3Phe)

Gene: ACVRL1 (activin A receptor like type 1; plus strand). Cytogenetic location: 12q13.13.
Variant type: single nucleotide variant.
Coding change: c.9G>T on transcript NM_000020.3 (MANE Select); coding-DNA position 9, G replaced by T.
Protein change: p.Leu3Phe; replaces leucine 3 with phenylalanine.
Molecular consequence: missense variant.
Genome position (GRCh38, 1-based): chr12:51,912,483, G>T. VCF-style: chr12-51912483-G-T. GRCh37 (hg19) VCF-style: chr12-52306267-G-T.
Other names: c.9G>T, p.Leu3Phe (NM_001077401.2, NM_001406487.1, NM_001406488.1 and 7 more transcripts); short protein forms L3F.
Identifiers: ClinVar variation 4689918 (VCV004689918.1).

ClinVar aggregate classification (germline): Uncertain significance (1 of 4 stars; one submission).

gnomAD v4.1: 3 of 1,614,140 alleles (0.00019%); highest among the groups gnomAD compares: Non-Finnish European, 0.00017%; no homozygotes.

Submission:

GeneDx
Classification: Uncertain significance. Last evaluated: 2025-08-01. Review status: criteria provided, single submitter. Criteria: GeneDx Variant Classification Process June 2021. Collection method: clinical testing. Allele origin: germline. Affected: yes.
Comment: Not observed at significant frequency in large population cohorts (gnomAD); In silico analysis supports that this missense variant has a deleterious effect on protein structure/function; Has not been previously published as pathogenic or benign to our knowledge